The following is an entry in ClinVar:

NM_001282166.2(SUV39H1):c.4G>A (p.Val2Met)

Gene: SUV39H1 (SUV39H1 histone lysine methyltransferase; plus strand). Cytogenetic location: Xp11.23.
Variant type: single nucleotide variant.
Coding change: c.4G>A on transcript NM_001282166.2; coding-DNA position 4, G replaced by A.
Protein change: p.Val2Met; replaces valine 2 with methionine.
Molecular consequence: missense variant.
Genome position (GRCh38, 1-based): chrX:48,695,823, G>A. VCF-style: chrX-48695823-G-A. GRCh37 (hg19) VCF-style: chrX-48554214-G-A.
Other names: short protein forms V2M.
Identifiers: ClinVar variation 2660465 (VCV002660465.22), dbSNP rs782793692, ClinGen allele CA10404119.
Genomic context (GRCh38, chrX:48,695,823, plus strand): 5'-ACTGTCTGCCCTGATAGAATCTCAGCTTCAACGCATCAGAGGAGACTGACTTGACCAATG[G>A]TGGGGATGAGTCGCCTGAGAAATGACAGACTGGCTGACCCACTGACAGGTGGTGTGGAGG-3'

ClinVar aggregate classification (germline): Likely benign (1 of 4 stars; one submission).

Allele frequency attached by ClinVar (database versions not stated): ExAC 0.00087; gnomAD exomes 0.00009.
gnomAD v4.1: 92 of 1,156,106 alleles (0.008%); highest among the groups gnomAD compares: South Asian, 0.17%; no homozygotes.

Submission:

CeGaT Center for Human Genetics Tuebingen
Classification: Likely benign. Last evaluated: 2022-12-01. Review status: criteria provided, single submitter. Criteria: CeGaT Center For Human Genetics Tuebingen Variant Classification Criteria Version 2. Collection method: clinical testing. Allele origin: germline. Affected: yes. Observed: 1 variant allele.
Comment: SUV39H1: PP2, PP3, BS2